The following is an entry in ClinVar:

NM_004519.4(KCNQ3):c.1884+244T>C

Gene: KCNQ3 (potassium voltage-gated channel subfamily Q member 3; minus strand). Cytogenetic location: 8q24.22.
Variant type: single nucleotide variant.
Coding change: c.1884+244T>C on transcript NM_004519.4 (MANE Select); 244 bases into the intron after coding-DNA position 1884, T replaced by C.
Molecular consequence: intron variant.
Genome position (GRCh38, 1-based): chr8:132,131,936, A>G on the plus strand (T>C on the coding strand, the complement: KCNQ3 is on the minus strand). VCF-style: chr8-132131936-A-G. GRCh37 (hg19) VCF-style: chr8-133144183-A-G.
Other names: c.1524+244T>C (NM_001204824.2).
Identifiers: ClinVar variation 677507 (VCV000677507.1), dbSNP rs556470294, ClinGen allele CA185430664.
Genomic context (GRCh38, chr8:132,131,936, plus strand): 5'-TCAGGAGTTCGAGACCAGCCTGGCCAACATGGTGAAACCCCATCTCTACTAAAAATACAA[A>G]AATTAGCTGGGCATGATGGCAGGCGCCTGTAATCTCAGCTCCTCAGGAGGCTGAGGCAGG-3'

ClinVar aggregate classification (germline): Likely benign (1 of 4 stars; one submission).

Allele frequency attached by ClinVar (database versions not stated): 1000 Genomes Project 0.00459; 1000 Genomes Project 30x 0.00484; gnomAD 0.00538 and 0.00578; TOPMed 0.00583.
gnomAD v4.1: 810 of 152,118 alleles (0.53%); highest among the groups gnomAD compares: African/African-American, 1.9%; 15 homozygotes.

Submission:

GeneDx
Classification: Likely benign. Last evaluated: 2018-06-16. Review status: criteria provided, single submitter. Criteria: GeneDx Variant Classification (06012015). Collection method: clinical testing. Allele origin: germline. Affected: yes.
Comment: This variant is considered likely benign or benign based on one or more of the following criteria: it is a conservative change, it occurs at a poorly conserved position in the protein, it is predicted to be benign by multiple in silico algorithms, and/or has population frequency not consistent with disease.